The following is an entry in ClinVar:

ClinVar aggregate classification (germline): Benign/Likely benign. Review status: criteria provided, multiple submitters, no conflicts (2 of 4 stars). 4 submissions from 4 submitters: Benign (2); Likely benign (2). Last evaluated 2026-08-01.

Allele frequency attached by ClinVar (database versions not stated): gnomAD exomes 0.00116 and 0.00222; ExAC 0.00245; ESP Exome Variant Server 0.00442; gnomAD 0.00509 and 0.00545; TOPMed 0.00634; 1000 Genomes Project 0.00799; 1000 Genomes Project 30x 0.00843.
gnomAD v4.1: 2,590 of 1,614,230 alleles (0.16%); highest among the groups gnomAD compares: African/African-American, 1.4%; 8 homozygotes.

Submissions (4):

CeGaT Center for Human Genetics Tuebingen
Classification: Likely benign. Last evaluated: 2026-08-01. Review status: criteria provided, single submitter. Criteria: CeGaT Center For Human Genetics Tuebingen Variant Classification Criteria Version 2. Collection method: clinical testing. Allele origin: germline. Affected: yes. Observed: 3 variant alleles.
Comment: TRIM22: BP4, BP7, BS1

Blueprint Genetics
Classification: Likely benign. Last evaluated: 2024-11-25. Review status: criteria provided, single submitter. Criteria: ACMG Guidelines, 2015. Collection method: clinical testing. Allele origin: germline.

Labcorp Genetics (formerly Invitae), Labcorp
Classification: Benign. Last evaluated: 2018-06-14. Review status: criteria provided, single submitter. Criteria: Invitae Variant Classification Sherloc (09022015). Collection method: clinical testing. Allele origin: germline.

Breakthrough Genomics
Classification: Benign. Review status: criteria provided, single submitter. Criteria: ACMG Guidelines, 2015. Collection method: not provided. Allele origin: germline. Inheritance: Unknown mechanism. Affected: yes.

NM_006074.5(TRIM22):c.318C>T (p.Ile106=)

Gene: TRIM22 (tripartite motif containing 22; plus strand). Cytogenetic location: 11p15.4.
Variant type: single nucleotide variant.
Coding change: c.318C>T on transcript NM_006074.5 (MANE Select); coding-DNA position 318, C replaced by T.
Protein change: p.Ile106=; no amino-acid change (isoleucine 106 retained).
Molecular consequence: synonymous variant.
Genome position (GRCh38, 1-based): chr11:5,696,550, C>T. VCF-style: chr11-5696550-C-T. GRCh37 (hg19) VCF-style: chr11-5717780-C-T.
Other names: c.318C>T, p.Ile106= (NM_001199573.2).
Identifiers: ClinVar variation 713987 (VCV000713987.18), dbSNP rs61735271, ClinGen allele CA5845753.